The following is an entry in ClinVar:

ClinVar aggregate classification (germline): Uncertain significance. Review status: criteria provided, multiple submitters, no conflicts (2 of 4 stars). 2 submissions from 2 submitters: Uncertain significance (2). Last evaluated 2025-08-07.

Conditions:
Hereditary cancer-predisposing syndrome. Also called: Hereditary Cancer Syndrome; Hereditary neoplastic syndrome; Neoplastic Syndromes, Hereditary; Tumor predisposition. Identifiers: Orphanet 140162, MedGen C0027672, MeSH D009386, MONDO:0015356.
Familial cancer of breast. Also called: BREAST CANCER, FAMILIAL; Hereditary breast cancer; hereditary breast carcinoma. Identifiers: Orphanet 227535, MedGen C0346153, MONDO:0016419, OMIM 114480. Disease mechanism: loss of function.

Submissions (2):

Labcorp Genetics (formerly Invitae), Labcorp
Classification: Uncertain significance for Familial cancer of breast. Last evaluated: 2025-08-07. Review status: criteria provided, single submitter. Criteria: Invitae Variant Classification Sherloc (09022015). Collection method: clinical testing. Allele origin: germline.
Comment: This sequence change replaces lysine, which is basic and polar, with threonine, which is neutral and polar, at codon 423 of the BARD1 protein (p.Lys423Thr). This variant is not present in population databases (gnomAD no frequency). This variant has not been reported in the literature in individuals affected with BARD1-related conditions. ClinVar contains an entry for this variant (Variation ID: 1430149). An algorithm developed to predict the effect of missense changes on protein structure and function (PolyPhen-2) suggests that this variant is likely to be disruptive. In summary, the available evidence is currently insufficient to determine the role of this variant in disease. Therefore, it has been classified as a Variant of Uncertain Significance.

Ambry Genetics
Classification: Uncertain significance for Hereditary cancer-predisposing syndrome. Last evaluated: 2023-02-12. Review status: criteria provided, single submitter. Criteria: Ambry Variant Classification Scheme 2023. Collection method: clinical testing. Allele origin: germline.
Comment: The p.K423T variant (also known as c.1268A>C), located in coding exon 4 of the BARD1 gene, results from an A to C substitution at nucleotide position 1268. The lysine at codon 423 is replaced by threonine, an amino acid with similar properties. This amino acid position is conserved. In addition, the in silico prediction for this alteration is inconclusive. Since supporting evidence is limited at this time, the clinical significance of this alteration remains unclear.

NM_000465.4(BARD1):c.1268A>C (p.Lys423Thr)

Gene: BARD1 (BRCA1 associated RING domain 1; minus strand). Cytogenetic location: 2q35.
Variant type: single nucleotide variant.
Coding change: c.1268A>C on transcript NM_000465.4 (MANE Select); coding-DNA position 1268, A replaced by C.
Protein change: p.Lys423Thr; replaces lysine 423 with threonine.
Molecular consequence: missense variant. On other transcripts: non-coding transcript variant (2), intron variant (3).
Genome position (GRCh38, 1-based): chr2:214,780,606, T>G on the plus strand (A>C on the coding strand, the complement: BARD1 is on the minus strand). VCF-style: chr2-214780606-T-G. GRCh37 (hg19) VCF-style: chr2-215645330-T-G.
Other names: c.1268A>C (NM_000465.2); c.1211A>C, p.Lys404Thr (NM_001282543.2); c.159-28051A>C (NM_001282548.2); c.215+16455A>C (NM_001282545.2); c.364+11691A>C (NM_001282549.2); short protein forms K423T, K404T.
Identifiers: ClinVar variation 1430149 (VCV001430149.10), dbSNP rs749383704, ClinGen allele CA350453478.
Genomic context (GRCh38, chr2:214,780,606, plus strand): 5'-AGTAAGCATCCTACCTTAATAGAAGCAATATGGAGCAAAGTCTCTCCTCTATGATTTCTT[T>G]TCACAGCCATATTGGGCAACAGCTTCATTGCTGAGGGACTAGACATCACTCGCCTGTAAC-3'
Protein context (NP_000456.2, residues 413-433): AMKLLPNMAV[Lys423Thr]RNHRGETLLH